The following is an entry in ClinVar:

ClinVar aggregate classification (germline): Pathogenic/Likely pathogenic. Review status: criteria provided, multiple submitters, no conflicts (2 of 4 stars). 5 submissions from 5 submitters: Pathogenic (4); Likely pathogenic (1). Last evaluated 2023-09-03.

Conditions:
Hereditary nonpolyposis colon cancer (HNPCC). Also called: Hereditary Nonpolyposis Colorectal Cancer Syndrome; Hereditary nonpolyposis colorectal cancer; Familial nonpolyposis colon cancer. Identifiers: Orphanet 443909, MedGen C1333990, MONDO:0018630. Disease mechanism: loss of function.
Hereditary nonpolyposis colorectal neoplasms. Identifiers: MedGen C0009405, MeSH D003123.
Hereditary cancer-predisposing syndrome. Also called: Hereditary neoplastic syndrome; Tumor predisposition; Hereditary Cancer Syndrome; Neoplastic Syndromes, Hereditary. Identifiers: Orphanet 140162, MedGen C0027672, MeSH D009386, MONDO:0015356.
Lynch syndrome 5 (LYNCH5). Also called: Colorectal cancer, hereditary nonpolyposis, type 5; Hereditary non-polyposis colorectal cancer, type 5. Identifiers: Orphanet 144, MedGen C1833477, MONDO:0013710, OMIM 614350. Disease mechanism: loss of function.

Submissions (5):

Labcorp Genetics (formerly Invitae), Labcorp
Classification: Pathogenic for Hereditary nonpolyposis colorectal neoplasms. Last evaluated: 2023-09-03. Review status: criteria provided, single submitter. Criteria: Invitae Variant Classification Sherloc (09022015). Collection method: clinical testing. Allele origin: germline.
Comment: This premature translational stop signal has been observed in individual(s) with prostate cancer (PMID: 29368341). ClinVar contains an entry for this variant (Variation ID: 491953). For these reasons, this variant has been classified as Pathogenic. This variant is not present in population databases (gnomAD no frequency). This sequence change creates a premature translational stop signal (p.Val1192Leufs*3) in the MSH6 gene. It is expected to result in an absent or disrupted protein product. Loss-of-function variants in MSH6 are known to be pathogenic (PMID: 18269114, 24362816).

Ambry Genetics
Classification: Pathogenic for Hereditary cancer-predisposing syndrome. Last evaluated: 2023-03-22. Review status: criteria provided, single submitter. Criteria: Ambry Variant Classification Scheme 2023. Collection method: clinical testing. Allele origin: germline.
Comment: The c.3574delG pathogenic mutation, located in coding exon 7 of the MSH6 gene, results from a deletion of one nucleotide at nucleotide position 3574, causing a translational frameshift with a predicted alternate stop codon (p.V1192Lfs*3). This alteration was seen in 1/150 unselected patients with recurrent or metastatic prostate cancer (Isaacsson Velho P et al. Prostate, 2018 Apr;78:401-407). This variant is considered to be rare based on population cohorts in the Genome Aggregation Database (gnomAD). In addition to the clinical data presented in the literature, this alteration is expected to result in loss of function by premature protein truncation or nonsense-mediated mRNA decay. As such, this alteration is interpreted as a disease-causing mutation.

Myriad Genetics, Inc.
Classification: Pathogenic for Lynch syndrome 5. Last evaluated: 2023-01-12. Review status: criteria provided, single submitter. Criteria: Myriad Autosomal Dominant, Autosomal Recessive and X-Linked Classification Criteria (2023). Collection method: clinical testing. Allele origin: unknown.
Comment: This variant is considered pathogenic. This variant creates a frameshift predicted to result in premature protein truncation.

Women's Health and Genetics/Laboratory Corporation of America, LabCorp
Classification: Likely pathogenic for Hereditary nonpolyposis colon cancer. Last evaluated: 2021-04-30. Review status: criteria provided, single submitter. Criteria: LabCorp Variant Classification Summary - May 2015. Collection method: clinical testing. Allele origin: germline.
Comment: Variant summary: MSH6 c.3574delG (p.Val1192LeufsX3) results in a premature termination codon, predicted to cause a truncation of the encoded protein or absence of the protein due to nonsense mediated decay, which are commonly known mechanisms for disease. Truncations downstream of this position have been classified as pathogenic by our laboratory. The variant was absent in 251366 control chromosomes. c.3574delG has been reported in the literature in at least one individual affected with Prostate Cancer (Isaacsson_2018). To our knowledge, no experimental evidence demonstrating an impact on protein function has been reported. One clinical diagnostic laboratory has submitted clinical-significance assessments for this variant to ClinVar after 2014 without evidence for independent evaluation and classified the variant as pathogenic. Based on the evidence outlined above, the variant was classified as likely pathogenic.

Color Diagnostics, LLC DBA Color Health
Classification: Pathogenic for Hereditary cancer-predisposing syndrome. Last evaluated: 2020-05-27. Review status: criteria provided, single submitter. Criteria: ACMG Guidelines, 2015. Collection method: clinical testing. Allele origin: germline.
Comment: This variant deletes 1 nucleotide in exon 7 of the MSH6 gene, creating a frameshift and premature translation stop signal. This variant is expected to result in an absent or non-functional protein product. To our knowledge, this variant has not been reported in individuals affected with hereditary cancer in the literature. This variant has not been identified in the general population by the Genome Aggregation Database (gnomAD). Loss of MSH6 function is a known mechanism of disease. Based on the available evidence, this variant is classified as Pathogenic.

Literature cited by the submitters: PubMed 29368341 (cited by 3 submitters); PubMed 18269114 (cited by Labcorp Genetics (formerly Invitae), Labcorp); PubMed 24362816 (cited by Labcorp Genetics (formerly Invitae), Labcorp).

NM_000179.3(MSH6):c.3574del (p.Val1192fs)

Gene: MSH6 (mutS homolog 6; plus strand). Cytogenetic location: 2p16.3.
Variant type: Deletion.
Coding change: c.3574del on transcript NM_000179.3 (MANE Select); coding-DNA position 3574, one base deleted (G; older notation c.3574delG).
Protein change: p.Val1192fs; shifts the reading frame from valine 1192.
Molecular consequence: frameshift variant.
Genome position (GRCh38, 1-based): chr2:47,805,635, G deleted. VCF-style (leftmost placement, unchanged base first): chr2-47805634-TG-T. GRCh37 (hg19) VCF-style: chr2-48032773-TG-T.
Other names: c.3184del, p.Val1062fs (NM_001281492.2); c.2668del, p.Val890fs (NM_001281493.2, NM_001281494.2); c.3574delG (NM_000179.2); short protein forms V1062fs, V1192fs, V890fs.
Identifiers: ClinVar variation 491953 (VCV000491953.10), dbSNP rs1553332671, ClinGen allele CA658683254.
Genomic context (GRCh38, chr2:47,805,634, plus strand): 5'-GATTTGCAAAATGAGTATTCATTTGTGATTTTTTTTTTTTTAAGGTGAAAGTACATTTTT[TG>T]TTGAATTAAGTGAAACTGCCAGCATACTCATGCATGCAACAGCACATTCTCTGGTGCTTG-3'